The following is an entry in ClinVar:

ClinVar aggregate classification (germline): Uncertain significance (1 of 4 stars; one submission).

gnomAD v4.1: 1 of 1,614,004 alleles (0.000062%); highest among the groups gnomAD compares: East Asian, 0.0022%; no homozygotes.

Submission:

Greenwood Genetic Center Diagnostic Laboratories, Greenwood Genetic Center
Classification: Uncertain significance. Last evaluated: 2024-12-30. Review status: criteria provided, single submitter. Criteria: ACMG Guidelines, 2015. Collection method: clinical testing. Allele origin: germline. Affected: yes.
Comment: PM2, BP4, PP2

NM_006565.4(CTCF):c.208C>T (p.Leu70Phe)

Gene: CTCF (CCCTC-binding factor; plus strand). Cytogenetic location: 16q22.1.
Variant type: single nucleotide variant.
Coding change: c.208C>T on transcript NM_006565.4 (MANE Select); coding-DNA position 208, C replaced by T.
Protein change: p.Leu70Phe; replaces leucine 70 with phenylalanine.
Molecular consequence: missense variant. On other transcripts: intron variant (1).
Genome position (GRCh38, 1-based): chr16:67,611,040, C>T. VCF-style: chr16-67611040-C-T. GRCh37 (hg19) VCF-style: chr16-67644943-C-T.
Other names: c.208C>T, p.Leu70Phe (NM_001363916.2); c.-32-5705C>T (NM_001191022.2); short protein forms L70F.
Identifiers: ClinVar variation 3765845 (VCV003765845.1).